The following is an entry in ClinVar:

ClinVar aggregate classification (germline): Pathogenic (1 of 4 stars; one submission).

Conditions:
Congenital disorder of glycosylation, type Iaa. Also called: Congenital disorder of glycosylation, type 1aa. Identifiers: MedGen C4310727, MONDO:0014904, OMIM 617082.

Submission:

Labcorp Genetics (formerly Invitae), Labcorp
Classification: Pathogenic for Congenital disorder of glycosylation, type Iaa. Last evaluated: 2022-06-08. Review status: criteria provided, single submitter. Criteria: Invitae Variant Classification Sherloc (09022015). Collection method: clinical testing. Allele origin: germline.
Comment: For these reasons, this variant has been classified as Pathogenic. This variant has not been reported in the literature in individuals affected with NUS1-related conditions. This variant is not present in population databases (gnomAD no frequency). This sequence change creates a premature translational stop signal (p.Arg84Profs*50) in the NUS1 gene. It is expected to result in an absent or disrupted protein product. Loss-of-function variants in NUS1 are known to be pathogenic (PMID: 29100083).

Literature cited by the submitters: PubMed 29100083.

NM_138459.5(NUS1):c.250dup (p.Arg84fs)

Gene: NUS1 (NUS1 dehydrodolichyl diphosphate synthase subunit; plus strand). Cytogenetic location: 6q22.1.
Variant type: Duplication.
Coding change: c.250dup on transcript NM_138459.5 (MANE Select); coding-DNA position 250, one base duplicated (C; older notation c.250dupC).
Protein change: p.Arg84fs; shifts the reading frame from arginine 84.
Molecular consequence: frameshift variant.
Genome position (GRCh38, 1-based): chr6:117,675,920, C duplicated; the last of 2 consecutive C bases (chr6:117,675,919-117,675,920); duplicating either gives the same sequence. VCF-style (leftmost placement, unchanged base first): chr6-117675918-A-AC. GRCh37 (hg19) VCF-style: chr6-117997081-A-AC.
Other names: short protein forms R84fs.
Identifiers: ClinVar variation 2002848 (VCV002002848.4), dbSNP rs2481983215, ClinGen allele CA2580074827.